The following is an entry in ClinVar:

ClinVar aggregate classification (germline): Uncertain significance (1 of 4 stars; one submission).

Conditions:
Severe myoclonic epilepsy in infancy (DRVT). Also called: Dravet syndrome; SEVERE MYOCLONIC EPILEPSY OF INFANCY; DEVELOPMENTAL AND EPILEPTIC ENCEPHALOPATHY 6A; Severe Myoclonic Epilepsy in Infancy (SMEI); Epileptic encephalopathy, early infantile, 6 (Dravet syndrome). Identifiers: Orphanet 33069, MedGen C0751122, MONDO:0100135, OMIM 607208.
Generalized epilepsy with febrile seizures plus, type 2 (GEFSP2). Also called: GEFS+, TYPE 2. Identifiers: Orphanet 36387, MedGen C1858673, MONDO:0011461, OMIM 604403.
Developmental and epileptic encephalopathy 6B. Also called: Developmental and epileptic encephalopathy 6B, non-Dravet. Identifiers: MedGen C5543353, MONDO:0030268, OMIM 619317.

Submission:

Dr. med. U. Finckh, Human Genetics, Eurofins MVZ
Classification: Uncertain significance for Developmental and epileptic encephalopathy 6B; Severe myoclonic epilepsy in infancy; Generalized epilepsy with febrile seizures plus, type 2. Last evaluated: 2022-03-02. Review status: criteria provided, single submitter. Criteria: ACMG Guidelines, 2015. Collection method: clinical testing. Allele origin: inherited.
Comment: The variant is not present in gnomAD and prediction algorithms support an adverse effect on protein function. The variant has already been described in the literature (PMID: 28202706) in three affected members of one family (febrile seizures / GEFS+). Segregation seems incomplete in the family reported by our laboratory. However, this does not fully exclude a causal role of this variant since febrile seizures can occur without genetic predisposition and a reduced penetrance in SCN1A-associated disease has been reported. Thus, we classify it as variant of uncertain significance.

NM_001165963.4(SCN1A):c.5455G>T (p.Ala1819Ser)

Genes: SCN1A (sodium voltage-gated channel alpha subunit 1; minus strand), LOC102724058 (uncharacterized LOC102724058; plus strand). Cytogenetic location: 2q24.3.
Variant type: single nucleotide variant.
Coding change: c.5455G>T on transcript NM_001165963.4 (MANE Select); coding-DNA position 5455, G replaced by T.
Protein change: p.Ala1819Ser; replaces alanine 1819 with serine.
Molecular consequence: missense variant. On other transcripts: non-coding transcript variant (1).
Genome position (GRCh38, 1-based): chr2:165,991,820, C>A on the plus strand (G>T on the coding strand, the complement: SCN1A is on the minus strand). VCF-style: chr2-165991820-C-A. GRCh37 (hg19) VCF-style: chr2-166848330-C-A.
Other names: c.5371G>T, p.Ala1791Ser (NM_001165964.3, NM_001353957.2, NM_001353958.2); c.5455G>T, p.Ala1819Ser (NM_001202435.3, NM_001353948.2); c.5422G>T, p.Ala1808Ser (NM_001353949.2, NM_001353950.2, NM_001353951.2 and 2 more transcripts); c.5419G>T, p.Ala1807Ser (NM_001353954.2, NM_001353955.2); c.5368G>T, p.Ala1790Ser (NM_001353960.2); c.3013G>T, p.Ala1005Ser (NM_001353961.2); short protein forms A1005S, A1790S, A1791S, A1807S, A1808S, A1819S.
Identifiers: ClinVar variation 2580979 (VCV002580979.1), dbSNP rs775570109, ClinGen allele CA349067477.
Genomic context (GRCh38, chr2:165,991,820, plus strand): 5'-GAGGCGGTTCAAGCGCAGCTGCAAACTGAGATAATTTTTCAAATTCCATGAACTGAGTTG[C>A]ATCGGGATCAAACTTCTCCCAAACCTCATAGAACATCTCAAAGTCATCCTCACTCAGAGG-3'
Protein context (NP_001159435.1, residues 1809-1829): YEVWEKFDPD[Ala1819Ser]TQFMEFEKLS